The following is an entry in ClinVar:

ClinVar aggregate classification (germline): Uncertain significance (1 of 4 stars; one submission).

gnomAD v4.1: 22 of 1,613,746 alleles (0.0014%); highest among the groups gnomAD compares: South Asian, 0.024%; no homozygotes.

Submission:

Labcorp Genetics (formerly Invitae), Labcorp
Classification: Uncertain significance. Last evaluated: 2025-04-17. Review status: criteria provided, single submitter. Criteria: Invitae Variant Classification Sherloc (09022015). Collection method: clinical testing. Allele origin: germline.
Comment: This sequence change replaces tyrosine, which is neutral and polar, with cysteine, which is neutral and slightly polar, at codon 5285 of the HMCN1 protein (p.Tyr5285Cys). This variant is present in population databases (rs568752943, gnomAD 0.02%). This variant has not been reported in the literature in individuals affected with HMCN1-related conditions. An algorithm developed to predict the effect of missense changes on protein structure and function (PolyPhen-2) suggests that this variant is likely to be disruptive. In summary, the available evidence is currently insufficient to determine the role of this variant in disease. Therefore, it has been classified as a Variant of Uncertain Significance.

NM_031935.3(HMCN1):c.15854A>G (p.Tyr5285Cys)

Gene: HMCN1 (hemicentin 1; plus strand). Cytogenetic location: 1q31.1.
Variant type: single nucleotide variant.
Coding change: c.15854A>G on transcript NM_031935.3 (MANE Select); coding-DNA position 15854, A replaced by G.
Protein change: p.Tyr5285Cys; replaces tyrosine 5285 with cysteine.
Molecular consequence: missense variant.
Genome position (GRCh38, 1-based): chr1:186,174,553, A>G. VCF-style: chr1-186174553-A-G. GRCh37 (hg19) VCF-style: chr1-186143685-A-G.
Other names: short protein forms Y5285C.
Identifiers: ClinVar variation 4755073 (VCV004755073.1).